The following is an entry in ClinVar:

NM_001378778.1(MPDZ):c.2962C>G (p.Leu988Val)

Gene: MPDZ (multiple PDZ domain crumbs cell polarity complex component; minus strand). Cytogenetic location: 9p23.
Variant type: single nucleotide variant.
Coding change: c.2962C>G on transcript NM_001378778.1 (MANE Select); coding-DNA position 2962, C replaced by G.
Protein change: p.Leu988Val; replaces leucine 988 with valine.
Molecular consequence: missense variant.
Genome position (GRCh38, 1-based): chr9:13,175,845, G>C on the plus strand (C>G on the coding strand, the complement: MPDZ is on the minus strand). VCF-style: chr9-13175845-G-C. GRCh37 (hg19) VCF-style: chr9-13175844-G-C.
Other names: c.2962C>G, p.Leu988Val (NM_001375426.1, NM_001375427.1, NM_003829.5 and 14 more transcripts); short protein forms L988V.
Identifiers: ClinVar variation 1716506 (VCV001716506.5), dbSNP rs772796261, ClinGen allele CA4987308.

ClinVar aggregate classification (germline): Uncertain significance (1 of 4 stars; one submission).

Allele frequency attached by ClinVar (database versions not stated): TOPMed below 0.00001; ExAC 0.00002.
gnomAD v4.1: 6 of 1,593,692 alleles (0.00038%); highest among the groups gnomAD compares: African/African-American, 0.0013%; no homozygotes.

Submission:

Labcorp Genetics (formerly Invitae), Labcorp
Classification: Uncertain significance. Last evaluated: 2022-08-19. Review status: criteria provided, single submitter. Criteria: Invitae Variant Classification Sherloc (09022015). Collection method: clinical testing. Allele origin: germline.
Comment: This variant is present in population databases (rs772796261, gnomAD 0.008%). In summary, the available evidence is currently insufficient to determine the role of this variant in disease. Therefore, it has been classified as a Variant of Uncertain Significance. Algorithms developed to predict the effect of missense changes on protein structure and function are either unavailable or do not agree on the potential impact of this missense change (SIFT: "Deleterious"; PolyPhen-2: "Benign"; Align-GVGD: "Class C25"). This variant has not been reported in the literature in individuals affected with MPDZ-related conditions. This sequence change replaces leucine, which is neutral and non-polar, with valine, which is neutral and non-polar, at codon 988 of the MPDZ protein (p.Leu988Val).